The following is an entry in ClinVar:

NM_013339.4(ALG6):c.1060C>T (p.Pro354Ser)

Gene: ALG6 (ALG6 alpha-1,3-glucosyltransferase; plus strand). Cytogenetic location: 1p31.3.
Variant type: single nucleotide variant.
Coding change: c.1060C>T on transcript NM_013339.4 (MANE Select); coding-DNA position 1060, C replaced by T.
Protein change: p.Pro354Ser; replaces proline 354 with serine.
Molecular consequence: missense variant.
Genome position (GRCh38, 1-based): chr1:63,428,734, C>T. VCF-style: chr1-63428734-C-T. GRCh37 (hg19) VCF-style: chr1-63894405-C-T.
Other names: short protein forms P354S.
Identifiers: ClinVar variation 2167938 (VCV002167938.2), dbSNP rs1039074857, ClinGen allele CA23811813.

ClinVar aggregate classification (germline): Uncertain significance (1 of 4 stars; one submission).

Conditions:
ALG6-congenital disorder of glycosylation 1C (CDG1C). Also called: CDG Ic; CARBOHYDRATE-DEFICIENT GLYCOPROTEIN SYNDROME, TYPE I, WITH DEFICIENT GLYCOSYLATION OF DOLICHOL-LINKED OLIGOSACCHARIDE; CARBOHYDRATE-DEFICIENT GLYCOPROTEIN SYNDROME, TYPE V; Congenital disorder of glycosylation type 1C; Congenital disorder of glycosylation, type Ic. Identifiers: Orphanet 79320, MedGen C2930997, MONDO:0011291, OMIM 603147.

Allele frequency attached by ClinVar (database versions not stated): TOPMed below 0.00001; gnomAD 0.00001.

Submission:

Labcorp Genetics (formerly Invitae), Labcorp
Classification: Uncertain significance for ALG6-congenital disorder of glycosylation 1C. Last evaluated: 2025-06-02. Review status: criteria provided, single submitter. Criteria: Invitae Variant Classification Sherloc (09022015). Collection method: clinical testing. Allele origin: germline.
Comment: This sequence change replaces proline, which is neutral and non-polar, with serine, which is neutral and polar, at codon 354 of the ALG6 protein (p.Pro354Ser). This variant is present in population databases (no rsID available, gnomAD 0.02%). This variant has not been reported in the literature in individuals affected with ALG6-related conditions. ClinVar contains an entry for this variant (Variation ID: 2167938). Invitae Evidence Modeling of protein sequence and biophysical properties (such as structural, functional, and spatial information, amino acid conservation, physicochemical variation, residue mobility, and thermodynamic stability) has been performed for this missense variant. However, the output from this modeling did not meet the statistical confidence thresholds required to predict the impact of this variant on ALG6 protein function. In summary, the available evidence is currently insufficient to determine the role of this variant in disease. Therefore, it has been classified as a Variant of Uncertain Significance.